The following is an entry in ClinVar:

NM_017763.6(RNF43):c.1221A>T (p.Gly407=)

Gene: RNF43 (ring finger protein 43; minus strand). Cytogenetic location: 17q22.
Variant type: single nucleotide variant.
Coding change: c.1221A>T on transcript NM_017763.6 (MANE Select); coding-DNA position 1221, A replaced by T.
Protein change: p.Gly407=; no amino-acid change (glycine 407 retained).
Molecular consequence: synonymous variant.
Genome position (GRCh38, 1-based): chr17:58,358,555, T>A on the plus strand (A>T on the coding strand, the complement: RNF43 is on the minus strand). VCF-style: chr17-58358555-T-A. GRCh37 (hg19) VCF-style: chr17-56435916-T-A.
Other names: c.1221A>T, p.Gly407= (NM_001305544.3); c.840A>T, p.Gly280= (NM_001305545.2); c.1221A>T (NM_017763.4).
Identifiers: ClinVar variation 2167882 (VCV002167882.6), dbSNP rs1483180859, ClinGen allele CA501325192.
Genomic context (GRCh38, chr17:58,358,555, plus strand): 5'-GTGCTGTGAGGTGGATTGGAGGTGGCTCAGTCCCCAGCCTTGTGCATAGGGGTGCTGGGC[T>A]CCTGCCAGGCGCTGCTGCTCTCCTGGAGCCCGGGGATGTGCAGCTCTGGGGAAGCGGTGA-3'
Protein context (NP_060233.3, residues 397-417): RAPGEQQRLA[Gly407=]AQHPYAQGWG

ClinVar aggregate classification (germline): Benign/Likely benign. Review status: criteria provided, multiple submitters, no conflicts (2 of 4 stars). 3 submissions from 3 submitters: Benign (1); Likely benign (2). Last evaluated 2026-07-01.

Conditions:
Sessile serrated polyposis cancer syndrome (SSPCS). Identifiers: Orphanet 157798, MedGen C4310714, MONDO:0014919, OMIM 617108.

Submissions (3):

Myriad Genetics, Inc.
Classification: Benign for Sessile serrated polyposis cancer syndrome. Last evaluated: 2026-07-01. Review status: criteria provided, single submitter. Criteria: Myriad Autosomal Dominant, Autosomal Recessive and X-Linked Classification Criteria (2023). Collection method: clinical testing. Allele origin: unknown.
Comment: This variant is considered benign. This variant is a silent/synonymous amino acid change and it is not expected to impact splicing.

Ambry Genetics
Classification: Likely benign. Last evaluated: 2026-01-20. Review status: criteria provided, single submitter. Criteria: Ambry Variant Classification Scheme 2023. Collection method: clinical testing. Allele origin: germline.

Labcorp Genetics (formerly Invitae), Labcorp
Classification: Likely benign. Last evaluated: 2025-01-02. Review status: criteria provided, single submitter. Criteria: Invitae Variant Classification Sherloc (09022015). Collection method: clinical testing. Allele origin: germline.